The following is an entry in ClinVar:

NM_006269.2(RP1):c.3052G>A (p.Val1018Ile)

Gene: RP1 (RP1 axonemal microtubule associated; plus strand). Cytogenetic location: 8q12.1.
Variant type: single nucleotide variant.
Coding change: c.3052G>A on transcript NM_006269.2 (MANE Select); coding-DNA position 3052, G replaced by A.
Protein change: p.Val1018Ile; replaces valine 1018 with isoleucine.
Molecular consequence: missense variant. On other transcripts: intron variant (1).
Genome position (GRCh38, 1-based): chr8:54,626,934, G>A. VCF-style: chr8-54626934-G-A. GRCh37 (hg19) VCF-style: chr8-55539494-G-A.
Other names: c.787+4646G>A (NM_001375654.1); short protein forms V1018I.
Identifiers: ClinVar variation 855019 (VCV000855019.10), dbSNP rs766796673, ClinGen allele CA4751633.

ClinVar aggregate classification (germline): Uncertain significance. Review status: criteria provided, multiple submitters, no conflicts (2 of 4 stars). 2 submissions from 2 submitters: Uncertain significance (2). Last evaluated 2023-12-28.

Conditions:
Inborn genetic diseases. Identifiers: MedGen C0950123, MeSH D030342.

Allele frequency attached by ClinVar (database versions not stated): gnomAD 0.00001; ExAC 0.00002; TOPMed 0.00002; gnomAD exomes 0.00003.
gnomAD v4.1: 122 of 1,613,746 alleles (0.0076%); highest among the groups gnomAD compares: Non-Finnish European, 0.01%; no homozygotes.

Submissions (2):

Ambry Genetics
Classification: Uncertain significance for Inborn genetic diseases. Last evaluated: 2023-12-28. Review status: criteria provided, single submitter. Criteria: Ambry Variant Classification Scheme 2023. Collection method: clinical testing. Allele origin: germline.

Labcorp Genetics (formerly Invitae), Labcorp
Classification: Uncertain significance. Last evaluated: 2019-12-06. Review status: criteria provided, single submitter. Criteria: Invitae Variant Classification Sherloc (09022015). Collection method: clinical testing. Allele origin: germline.
Comment: In summary, the available evidence is currently insufficient to determine the role of this variant in disease. Therefore, it has been classified as a Variant of Uncertain Significance. Algorithms developed to predict the effect of missense changes on protein structure and function output the following: SIFT: "Tolerated"; PolyPhen-2: "Benign"; Align-GVGD: "Class C0". The isoleucine amino acid residue is found in multiple mammalian species, suggesting that this missense change does not adversely affect protein function. These predictions have not been confirmed by published functional studies and their clinical significance is uncertain. This variant has not been reported in the literature in individuals with RP1-related conditions. This variant is present in population databases (rs766796673, ExAC 0.003%). This sequence change replaces valine with isoleucine at codon 1018 of the RP1 protein (p.Val1018Ile). The valine residue is moderately conserved and there is a small physicochemical difference between valine and isoleucine.